The following is an entry in ClinVar:

NM_003242.6(TGFBR2):c.389G>T (p.Gly130Val)

Gene: TGFBR2 (transforming growth factor beta receptor 2; plus strand). Cytogenetic location: 3p24.1.
Variant type: single nucleotide variant.
Coding change: c.389G>T on transcript NM_003242.6 (MANE Select); coding-DNA position 389, G replaced by T.
Protein change: p.Gly130Val; replaces glycine 130 with valine.
Molecular consequence: missense variant.
Genome position (GRCh38, 1-based): chr3:30,650,395, G>T. VCF-style: chr3-30650395-G-T. GRCh37 (hg19) VCF-style: chr3-30691887-G-T.
Other names: c.464G>T, p.Gly155Val (NM_001024847.3, NM_001407126.1, NM_001407139.1); c.389G>T, p.Gly130Val (NM_001407127.1, NM_001407130.1); c.416G>T, p.Gly139Val (NM_001407128.1); c.284G>T, p.Gly95Val (NM_001407129.1, NM_001407132.1, NM_001407133.1 and 3 more transcripts); short protein forms G155V, G130V, G139V, G95V.
Identifiers: ClinVar variation 918301 (VCV000918301.5), dbSNP rs1698859109, ClinGen allele CA351806982.
Genomic context (GRCh38, chr3:30,650,395, plus strand): 5'-ACTTTATTCTGGAAGATGCTGCTTCTCCAAAGTGCATTATGAAGGAAAAAAAAAAGCCTG[G>T]TGAGACTTTCTTCATGTGTTCCTGTAGCTCTGATGAGTGCAATGACAACATCATCTTCTC-3'
Protein context (NP_003233.4, residues 120-140): KCIMKEKKKP[Gly130Val]ETFFMCSCSS

ClinVar aggregate classification (germline): Uncertain significance (1 of 4 stars; one submission).

Conditions:
Familial thoracic aortic aneurysm and aortic dissection (TAAD). Also called: Thoracic aortic aneurysms and dissections. Identifiers: Orphanet 91387, MedGen C4707243, MONDO:0019625.

gnomAD v4.1: 1 of 1,614,036 alleles (0.000062%); highest among the groups gnomAD compares: South Asian, 0.0011%; no homozygotes.

Submission:

Color Diagnostics, LLC DBA Color Health
Classification: Uncertain significance for Familial thoracic aortic aneurysm and aortic dissection. Last evaluated: 2024-03-06. Review status: criteria provided, single submitter. Criteria: ACMG Guidelines, 2015. Collection method: clinical testing. Allele origin: germline.
Comment: This variant is located in the TGFBR2 protein. Computational prediction is inconclusive regarding the impact of this variant on protein structure and function (internally defined REVEL score threshold 0.5 < inconclusive < 0.7, PMID: 27666373). To our knowledge, functional studies have not been reported for this variant. This variant has not been reported in individuals affected with cardiovascular disorders in the literature. This variant has not been identified in the general population by the Genome Aggregation Database (gnomAD). The available evidence is insufficient to determine the role of this variant in disease conclusively. Therefore, this variant is classified as a Variant of Uncertain Significance.